The following is an entry in ClinVar:

NM_001174147.2(LMX1B):c.432C>A (p.Cys144Ter)

Gene: LMX1B (LIM homeobox transcription factor 1 beta; plus strand). Cytogenetic location: 9q33.3.
Variant type: single nucleotide variant.
Coding change: c.432C>A on transcript NM_001174147.2 (MANE Select); coding-DNA position 432, C replaced by A.
Protein change: p.Cys144Ter; replaces cysteine 144 with a stop codon.
Molecular consequence: nonsense.
Genome position (GRCh38, 1-based): chr9:126,690,941, C>A. VCF-style: chr9-126690941-C-A. GRCh37 (hg19) VCF-style: chr9-129453220-C-A.
Other names: c.432C>A, p.Cys144Ter (NM_001174146.2, NM_002316.4); short protein forms C144*.
Identifiers: ClinVar variation 4688017 (VCV004688017.1).

ClinVar aggregate classification (germline): Likely pathogenic (1 of 4 stars; one submission).

Conditions:
Nail-patella syndrome (NPS). Also called: ONYCHOOSTEODYSPLASIA; TURNER-KIESER SYNDROME; FONG DISEASE. Identifiers: Orphanet 2614, MedGen C0027341, MONDO:0008061, OMIM 161200.
Nail-patella-like renal disease. Also called: Focal Segmental Glomerulosclerosis 10; GLOMERULAR BASEMENT MEMBRANE DISEASE, NAIL-PATELLA SYNDROME TYPE. Identifiers: Orphanet 2613, MedGen C0403548, MONDO:0009724, OMIM 256020.

Submission:

Human Genetics Bochum, Ruhr University Bochum
Classification: Likely pathogenic for Nail-patella syndrome; Nail-patella-like renal disease. Last evaluated: 2025-01-10. Review status: criteria provided, single submitter. Criteria: ACMG Guidelines, 2015. Collection method: clinical testing. Allele origin: germline. Affected: yes.
Comment: ACMG criteria used to clasify this variant: PVS1_STR, PM2_SUP, PP3